The following is an entry in ClinVar:

NM_000557.5(GDF5):c.1490C>T (p.Ser497Leu)

Genes: GDF5 (growth differentiation factor 5; minus strand), GDF5-AS1 (GDF5 antisense RNA 1; plus strand). Cytogenetic location: 20q11.22.
Variant type: single nucleotide variant.
Coding change: c.1490C>T on transcript NM_000557.5 (MANE Select); coding-DNA position 1490, C replaced by T.
Protein change: p.Ser497Leu; replaces serine 497 with leucine.
Molecular consequence: missense variant. On other transcripts: non-coding transcript variant (1).
Genome position (GRCh38, 1-based): chr20:35,433,925, G>A on the plus strand (C>T on the coding strand, the complement: GDF5 is on the minus strand). VCF-style: chr20-35433925-G-A. GRCh37 (hg19) VCF-style: chr20-34021723-G-A.
Other names: c.1490C>T (NM_000557.2); c.1490C>T, p.Ser497Leu (NM_001319138.2); short protein forms S497L.
Identifiers: ClinVar variation 3687241 (VCV003687241.3).

ClinVar aggregate classification (germline): Uncertain significance. Review status: criteria provided, multiple submitters, no conflicts (2 of 4 stars). 2 submissions from 2 submitters: Uncertain significance (2). Last evaluated 2025-10-21.

Conditions:
Inborn genetic diseases. Identifiers: MedGen C0950123, MeSH D030342.

Submissions (2):

Labcorp Genetics (formerly Invitae), Labcorp
Classification: Uncertain significance. Last evaluated: 2025-10-21. Review status: criteria provided, single submitter. Criteria: Invitae Variant Classification Sherloc (09022015). Collection method: clinical testing. Allele origin: germline.
Comment: This sequence change replaces serine, which is neutral and polar, with leucine, which is neutral and non-polar, at codon 497 of the GDF5 protein (p.Ser497Leu). This variant is not present in population databases (gnomAD no frequency). This variant has not been reported in the literature in individuals affected with GDF5-related conditions. ClinVar contains an entry for this variant (Variation ID: 3687241). Invitae Evidence Modeling of protein sequence and biophysical properties (such as structural, functional, and spatial information, amino acid conservation, physicochemical variation, residue mobility, and thermodynamic stability) indicates that this missense variant is expected to disrupt GDF5 protein function with a positive predictive value of 80%. In summary, the available evidence is currently insufficient to determine the role of this variant in disease. Therefore, it has been classified as a Variant of Uncertain Significance.

Ambry Genetics
Classification: Uncertain significance for Inborn genetic diseases. Last evaluated: 2025-09-01. Review status: criteria provided, single submitter. Criteria: Ambry Variant Classification Scheme 2023. Collection method: clinical testing. Allele origin: germline.